The following is an entry in ClinVar:

ClinVar aggregate classification (germline): Uncertain significance (1 of 4 stars; one submission).

Allele frequency attached by ClinVar (database versions not stated): ExAC 0.00001.
gnomAD v4.1: 2 of 1,605,878 alleles (0.00012%); highest among the groups gnomAD compares: South Asian, 0.0022%; no homozygotes.

Submission:

Labcorp Genetics (formerly Invitae), Labcorp
Classification: Uncertain significance. Last evaluated: 2023-02-09. Review status: criteria provided, single submitter. Criteria: Invitae Variant Classification Sherloc (09022015). Collection method: clinical testing. Allele origin: germline.
Comment: This sequence change replaces proline, which is neutral and non-polar, with serine, which is neutral and polar, at codon 1262 of the HMCN1 protein (p.Pro1262Ser). This variant is present in population databases (rs766578835, gnomAD 0.003%). This variant has not been reported in the literature in individuals affected with HMCN1-related conditions. Algorithms developed to predict the effect of missense changes on protein structure and function are either unavailable or do not agree on the potential impact of this missense change (SIFT: "Deleterious"; PolyPhen-2: "Probably Damaging"; Align-GVGD: "Class C0"). In summary, the available evidence is currently insufficient to determine the role of this variant in disease. Therefore, it has been classified as a Variant of Uncertain Significance.

NM_031935.3(HMCN1):c.3784C>T (p.Pro1262Ser)

Gene: HMCN1 (hemicentin 1; plus strand). Cytogenetic location: 1q31.1.
Variant type: single nucleotide variant.
Coding change: c.3784C>T on transcript NM_031935.3 (MANE Select); coding-DNA position 3784, C replaced by T.
Protein change: p.Pro1262Ser; replaces proline 1262 with serine.
Molecular consequence: missense variant.
Genome position (GRCh38, 1-based): chr1:185,997,434, C>T. VCF-style: chr1-185997434-C-T. GRCh37 (hg19) VCF-style: chr1-185966566-C-T.
Other names: short protein forms P1262S.
Identifiers: ClinVar variation 2831678 (VCV002831678.3), dbSNP rs766578835, ClinGen allele CA1291821.
Genomic context (GRCh38, chr1:185,997,434, plus strand): 5'-AGAGTTTGAAATTGCTCAAAGAAAGCCTGTGATAATGCATTTATTTTCCTAATAGAACCA[C>T]CCACAGTGGAAGATCTAGAACCTCCATATAACACTACTTTCCAAGAAAGAGTGGCCAATC-3'
Protein context (NP_114141.2, residues 1252-1272): TEITLHVQEP[Pro1262Ser]TVEDLEPPYN